The following is an entry in ClinVar:

NM_003000.3(SDHB):c.200+5G>A

Gene: SDHB (succinate dehydrogenase complex iron sulfur subunit B; minus strand). Cytogenetic location: 1p36.13.
Variant type: single nucleotide variant.
Coding change: c.200+5G>A on transcript NM_003000.3 (MANE Select); 5 bases into the intron after coding-DNA position 200, G replaced by A.
Molecular consequence: intron variant.
Genome position (GRCh38, 1-based): chr1:17,044,756, C>T on the plus strand (G>A on the coding strand, the complement: SDHB is on the minus strand). VCF-style: chr1-17044756-C-T. GRCh37 (hg19) VCF-style: chr1-17371251-C-T.
Other names: c.200+5G>A (NM_003000.2, NM_001407361.1).
Identifiers: ClinVar variation 3074069 (VCV003074069.2), dbSNP rs1553178726, ClinGen allele CA2574234942.

ClinVar aggregate classification (germline): Uncertain significance. Review status: criteria provided, multiple submitters, no conflicts (2 of 4 stars). 2 submissions from 2 submitters: Uncertain significance (2). Last evaluated 2023-10-23.

Conditions:
Hereditary cancer-predisposing syndrome. Also called: Hereditary neoplastic syndrome; Neoplastic Syndromes, Hereditary; Tumor predisposition; Hereditary Cancer Syndrome. Identifiers: Orphanet 140162, MedGen C0027672, MeSH D009386, MONDO:0015356.
Hereditary pheochromocytoma and paraganglioma. Also called: Hereditary pheochromocytoma-paraganglioma; Hereditary Paraganglioma-Pheochromocytoma Syndromes; Hereditary paragangliomas and pheochromocytomas. Identifiers: Orphanet 29072, MedGen C4274332, MONDO:0017366.

Submissions (2):

All of Us Research Program, National Institutes of Health
Classification: Uncertain significance for Hereditary pheochromocytoma and paraganglioma. Last evaluated: 2023-10-23. Review status: criteria provided, single submitter. Criteria: ACMG Guidelines, 2015. Collection method: clinical testing. Allele origin: germline. Inheritance: Autosomal dominant inheritance. Observed: 1 variant allele, 1 heterozygote.
Comment: This variant causes a G to A nucleotide substitution at the +5 position of intron 2 of the SDHB gene. Splice site prediction tools predict that this variant may impact on RNA splicing. To our knowledge, RNA studies have not been reported for this variant. This variant has not been reported in individuals affected with SDHB-related disorders in the literature. This variant has not been identified in the general population by the Genome Aggregation Database (gnomAD). The available evidence is insufficient to determine the role of this variant in disease conclusively. Therefore, this variant is classified as a Variant of Uncertain Significance.

This study involves interpretation of variants in research participants for the purpose of population health screening. Participant phenotype was not available at the time of variant classification. Additional details can be found in publication PMID: 35346344, PMCID: PMC8962531

Ambry Genetics
Classification: Uncertain significance for Hereditary cancer-predisposing syndrome. Last evaluated: 2023-03-01. Review status: criteria provided, single submitter. Criteria: Ambry Variant Classification Scheme 2023. Collection method: clinical testing. Allele origin: germline.
Comment: The c.200+5G>A intronic variant results from a G to A substitution 5 nucleotides after coding exon 2 in the SDHB gene. This nucleotide position is highly conserved in available vertebrate species. In silico splice site analysis predicts that this alteration may weaken the native splice donor site; however, direct evidence is insufficient at this time (Ambry internal data). Since supporting evidence is limited at this time, the clinical significance of this alteration remains unclear.